The following is an entry in ClinVar:

NM_212482.4(FN1):c.6507G>A (p.Pro2169=)

Gene: FN1 (fibronectin 1; minus strand). Cytogenetic location: 2q35.
Variant type: single nucleotide variant.
Coding change: c.6507G>A on transcript NM_212482.4 (MANE Select); coding-DNA position 6507, G replaced by A.
Protein change: p.Pro2169=; no amino-acid change (proline 2169 retained).
Molecular consequence: synonymous variant. On other transcripts: intron variant (3).
Genome position (GRCh38, 1-based): chr2:215,372,116, C>T on the plus strand (G>A on the coding strand, the complement: FN1 is on the minus strand). VCF-style: chr2-215372116-C-T. GRCh37 (hg19) VCF-style: chr2-216236839-C-T.
Other names: c.6507G>A, p.Pro2169= (NM_001306129.2); c.5964G>A, p.Pro1988= (NM_001306131.2, NM_212476.3); c.5889G>A, p.Pro1963= (NM_001306132.2, NM_001365523.2); c.6237G>A, p.Pro2079= (NM_001365517.2, NM_001365521.2); c.6234G>A, p.Pro2078= (NM_001365518.2, NM_002026.4); c.6162G>A, p.Pro2054= (NM_001365519.2, NM_001365522.2); c.6159G>A, p.Pro2053= (NM_001365520.2, NM_212478.3); c.5705-101G>A (NM_212474.3); and 2 more.
Identifiers: ClinVar variation 1581108 (VCV001581108.35), dbSNP rs145436721, ClinGen allele CA2093832.
Genomic context (GRCh38, chr2:215,372,116, plus strand): 5'-CAGGTGATAGTCTACATCTTCCCTGGGGATGTGACCAATTTGGATTTCCTCACCTACATT[C>T]GGCGGGTATGGTCTTGGCCTATGCCTTATGGGGGTGGCCGTTGTGGGCGGTGTGGTCCGC-3'
Protein context (NP_997647.2, residues 2159-2179): PIRHRPRPYP[Pro2169=]NVGEEIQIGH

ClinVar aggregate classification (germline): Likely benign. Review status: criteria provided, multiple submitters, no conflicts (2 of 4 stars). 4 submissions from 4 submitters: Likely benign (4). Last evaluated 2025-10-01.

Conditions:
Glomerulopathy with fibronectin deposits 2 (GFND2). Identifiers: Orphanet 84090, MedGen C1866075, MONDO:0011165, OMIM 601894.
Spondylometaphyseal dysplasia - Sutcliffe type. Also called: Spondylometaphyseal dysplasia, 'corner fracture' type; Sutcliffe type of spondylometaphyseal dysplasia; Sutcliffe SMD; Spondylometaphyseal Dysplasia, Corner Fracture Type. Identifiers: Orphanet 93315, MedGen C0432221, MONDO:0008479, OMIM 184255.

Allele frequency attached by ClinVar (database versions not stated): ESP Exome Variant Server 0.00008.
gnomAD v4.1: 189 of 1,614,082 alleles (0.012%); highest among the groups gnomAD compares: Middle Eastern, 0.16%; 1 homozygote.

Submissions (4):

Labcorp Genetics (formerly Invitae), Labcorp
Classification: Likely benign. Last evaluated: 2025-10-01. Review status: criteria provided, single submitter. Criteria: Invitae Variant Classification Sherloc (09022015). Collection method: clinical testing. Allele origin: germline.

Blueprint Genetics
Classification: Likely benign. Last evaluated: 2024-06-12. Review status: criteria provided, single submitter. Criteria: ACMG Guidelines, 2015. Collection method: clinical testing. Allele origin: germline.

CeGaT Center for Human Genetics Tuebingen
Classification: Likely benign. Last evaluated: 2023-08-01. Review status: criteria provided, single submitter. Criteria: CeGaT Center For Human Genetics Tuebingen Variant Classification Criteria Version 2. Collection method: clinical testing. Allele origin: germline. Affected: yes. Observed: 1 variant allele.
Comment: FN1: BP4, BP7

Fulgent Genetics
Classification: Likely benign for Spondylometaphyseal dysplasia - Sutcliffe type; Glomerulopathy with fibronectin deposits 2. Last evaluated: 2021-09-23. Review status: criteria provided, single submitter. Criteria: ACMG Guidelines, 2015. Collection method: clinical testing. Allele origin: unknown.